The following is an entry in ClinVar:

ClinVar aggregate classification (germline): Likely pathogenic (1 of 4 stars; one submission).

Conditions:
Isovaleryl-CoA dehydrogenase deficiency (IVA). Also called: ISOVALERIC ACID CoA DEHYDROGENASE DEFICIENCY; Isovaleric acidemia; Classic Isovaleric Acidemia; IVD DEFICIENCY. Identifiers: Orphanet 33, MedGen C0268575, MONDO:0009475, OMIM 243500.

Allele frequency attached by ClinVar (database versions not stated): TOPMed below 0.00001.

Submission:

Women's Health and Genetics/Laboratory Corporation of America, LabCorp
Classification: Likely pathogenic for Isovaleryl-CoA dehydrogenase deficiency. Last evaluated: 2023-07-05. Review status: criteria provided, single submitter. Criteria: LabCorp Variant Classification Summary - May 2015. Collection method: clinical testing. Allele origin: germline.
Comment: Variant summary: IVD c.491T>C (p.Met164Thr) results in a non-conservative amino acid change in the encoded protein sequence. Four of five in-silico tools predict a damaging effect of the variant on protein function. The variant was absent in 251488 control chromosomes (gnomAD). c.491T>C has been reported in the literature in homozygous and compound heterozygous individuals affected with mild/asymptomatic Isovaleryl-CoA Dehydrogenase Deficiency detected via newborn biochemical screening (Sakamoto_2015, Couce_2017, Ibarra-Gonzalez_2020). These data indicate that the variant is likely to be associated with disease. To our knowledge, no experimental evidence demonstrating an impact on protein function has been reported. The following publications have been ascertained in the context of this evaluation (PMID: 26018748, 27904153, 31707166). No submitters have cited clinical-significance assessments for this variant to ClinVar after 2014. Based on the evidence outlined above, the variant was classified as likely pathogenic.

Literature cited by the submitters: PubMed 31707166; PubMed 27904153; PubMed 26018748.

NM_002225.5(IVD):c.491T>C (p.Met164Thr)

Gene: IVD (isovaleryl-CoA dehydrogenase; plus strand). Cytogenetic location: 15q15.1.
Variant type: single nucleotide variant.
Coding change: c.491T>C on transcript NM_002225.5 (MANE Select); coding-DNA position 491, T replaced by C.
Protein change: p.Met164Thr; replaces methionine 164 with threonine.
Molecular consequence: missense variant. On other transcripts: non-coding transcript variant (1).
Genome position (GRCh38, 1-based): chr15:40,411,294, T>C. VCF-style: chr15-40411294-T-C. GRCh37 (hg19) VCF-style: chr15-40703493-T-C.
Other names: c.401T>C, p.Met134Thr (NM_001159508.3); c.443T>C, p.Met148Thr (NM_001354597.3); c.491T>C, p.Met164Thr (NM_001354598.3, NM_001354601.3); c.578T>C, p.Met193Thr (NM_001354599.3, NM_001354600.3); short protein forms M134T, M148T, M164T, M193T.
Identifiers: ClinVar variation 2577370 (VCV002577370.1), dbSNP rs1891052909, ClinGen allele CA391717083.
Genomic context (GRCh38, chr15:40,411,294, plus strand): 5'-AGGCCTGTTGGGGGTTTTCCTTGCAGCTGATCAGTGGTGAGTACATCGGAGCCCTGGCCA[T>C]GAGTGAGCCCAATGCAGGCTCTGATGTTGTCTCTATGAAGCTCAAAGCGGAAAAGAAAGG-3'
Protein context (NP_002216.3, residues 154-174): ISGEYIGALA[Met164Thr]SEPNAGSDVV